The following is an entry in ClinVar:

ClinVar aggregate classification (germline): Uncertain significance. Review status: criteria provided, multiple submitters, no conflicts (2 of 4 stars). 2 submissions from 2 submitters: Uncertain significance (2). Last evaluated 2024-08-06.

Conditions:
LAMA2-related muscular dystrophy (LAMA2-RD). Also called: Laminin alpha 2-related dystrophy. Identifiers: MedGen C5679788, MONDO:0100228.

Allele frequency attached by ClinVar (database versions not stated): gnomAD exomes 0.00001; ExAC 0.00002.
gnomAD v4.1: 12 of 1,613,632 alleles (0.00074%); highest among the groups gnomAD compares: Non-Finnish European, 0.001%; no homozygotes.

Submissions (2):

GeneDx
Classification: Uncertain significance. Last evaluated: 2024-08-06. Review status: criteria provided, single submitter. Criteria: GeneDx Variant Classification Process June 2021. Collection method: clinical testing. Allele origin: germline. Affected: yes.
Comment: Not observed at significant frequency in large population cohorts (gnomAD); In silico analysis supports that this missense variant has a deleterious effect on protein structure/function; Has not been previously published as pathogenic or benign to our knowledge

Labcorp Genetics (formerly Invitae), Labcorp
Classification: Uncertain significance for LAMA2-related muscular dystrophy. Last evaluated: 2022-08-22. Review status: criteria provided, single submitter. Criteria: Invitae Variant Classification Sherloc (09022015). Collection method: clinical testing. Allele origin: germline.
Comment: This sequence change replaces isoleucine, which is neutral and non-polar, with threonine, which is neutral and polar, at codon 1377 of the LAMA2 protein (p.Ile1377Thr). This variant is present in population databases (rs764778619, gnomAD 0.002%). This variant has not been reported in the literature in individuals affected with LAMA2-related conditions. Advanced modeling of protein sequence and biophysical properties (such as structural, functional, and spatial information, amino acid conservation, physicochemical variation, residue mobility, and thermodynamic stability) performed at Invitae indicates that this missense variant is not expected to disrupt LAMA2 protein function. In summary, the available evidence is currently insufficient to determine the role of this variant in disease. Therefore, it has been classified as a Variant of Uncertain Significance.

NM_000426.4(LAMA2):c.4130T>C (p.Ile1377Thr)

Gene: LAMA2 (laminin subunit alpha 2; plus strand). Cytogenetic location: 6q22.33.
Variant type: single nucleotide variant.
Coding change: c.4130T>C on transcript NM_000426.4 (MANE Select); coding-DNA position 4130, T replaced by C.
Protein change: p.Ile1377Thr; replaces isoleucine 1377 with threonine.
Molecular consequence: missense variant.
Genome position (GRCh38, 1-based): chr6:129,320,609, T>C. VCF-style: chr6-129320609-T-C. GRCh37 (hg19) VCF-style: chr6-129641754-T-C.
Other names: c.4130T>C, p.Ile1377Thr (NM_001079823.2); short protein forms I1377T.
Identifiers: ClinVar variation 2193668 (VCV002193668.2), dbSNP rs764778619, ClinGen allele CA3993453.